The following is an entry in ClinVar:

ClinVar aggregate classification (germline): Uncertain significance. Review status: criteria provided, multiple submitters, no conflicts (2 of 4 stars). 2 submissions from 2 submitters: Uncertain significance (2). Last evaluated 2023-10-02.

Conditions:
Autosomal recessive limb-girdle muscular dystrophy type 2E (LGMDR4). Also called: MUSCULAR DYSTROPHY, LIMB-GIRDLE, AUTOSOMAL RECESSIVE 4. Identifiers: Orphanet 119, MedGen C1858593, MONDO:0011423, OMIM 604286. Disease mechanism: Affects gamma-sarcoglycan and also disrupts the integrity of the entire sarcoglycan complex..

Allele frequency attached by ClinVar (database versions not stated): gnomAD exomes 0.00001; TOPMed 0.00002; gnomAD 0.00003.

Submissions (2):

Revvity Omics, Revvity
Classification: Uncertain significance for Autosomal recessive limb-girdle muscular dystrophy type 2E. Last evaluated: 2023-10-02. Review status: criteria provided, single submitter. Criteria: ACMG Guidelines, 2015. Collection method: clinical testing. Allele origin: germline.

Labcorp Genetics (formerly Invitae), Labcorp
Classification: Uncertain significance for Autosomal recessive limb-girdle muscular dystrophy type 2E. Last evaluated: 2021-12-24. Review status: criteria provided, single submitter. Criteria: Invitae Variant Classification Sherloc (09022015). Collection method: clinical testing. Allele origin: germline.
Comment: This sequence change replaces glutamic acid, which is acidic and polar, with lysine, which is basic and polar, at codon 240 of the SGCB protein (p.Glu240Lys). This variant is present in population databases (no rsID available, gnomAD 0.01%). This variant has not been reported in the literature in individuals affected with SGCB-related conditions. Algorithms developed to predict the effect of missense changes on protein structure and function are either unavailable or do not agree on the potential impact of this missense change (SIFT: "Deleterious"; PolyPhen-2: "Possibly Damaging"; Align-GVGD: "Class C15"). In summary, the available evidence is currently insufficient to determine the role of this variant in disease. Therefore, it has been classified as a Variant of Uncertain Significance.

NM_000232.5(SGCB):c.718G>A (p.Glu240Lys)

Gene: SGCB (sarcoglycan beta; minus strand). Cytogenetic location: 4q12.
Variant type: single nucleotide variant.
Coding change: c.718G>A on transcript NM_000232.5 (MANE Select); coding-DNA position 718, G replaced by A.
Protein change: p.Glu240Lys; replaces glutamic acid 240 with lysine.
Molecular consequence: missense variant.
Genome position (GRCh38, 1-based): chr4:52,028,003, C>T on the plus strand (G>A on the coding strand, the complement: SGCB is on the minus strand). VCF-style: chr4-52028003-C-T. GRCh37 (hg19) VCF-style: chr4-52894169-C-T.
Other names: short protein forms E240K.
Identifiers: ClinVar variation 2180958 (VCV002180958.4), dbSNP rs1482530778, ClinGen allele CA356875815.
Genomic context (GRCh38, chr4:52,028,003, plus strand): 5'-CTTAAGCTCTTAAAAGAATACTCACCGCCTTTAACTCCATATTACCACCCATGTGAAATT[C>T]AATGGTTTTGCCCATAATGAATACACCTTCATTTCCACGCACAATAGCACGCCCATCAAC-3'
Protein context (NP_000223.1, residues 230-250): EGVFIMGKTI[Glu240Lys]FHMGGNMELK